The following is an entry in ClinVar:

ClinVar aggregate classification (germline): Uncertain significance (1 of 4 stars; one submission).

Conditions:
Early-infantile DEE. Also called: Ohtahara syndrome; Early infantile epileptic encephalopathy; Early infantile epileptic encephalopathy with suppression bursts. Identifiers: Orphanet 1934, MedGen C0393706, MONDO:0800491.

Submission:

Labcorp Genetics (formerly Invitae), Labcorp
Classification: Uncertain significance for Early-infantile DEE. Last evaluated: 2024-10-15. Review status: criteria provided, single submitter. Criteria: Invitae Variant Classification Sherloc (09022015). Collection method: clinical testing. Allele origin: germline.
Comment: This sequence change replaces methionine, which is neutral and non-polar, with leucine, which is neutral and non-polar, at codon 88 of the GNAO1 protein (p.Met88Leu). This variant is not present in population databases (gnomAD no frequency). This variant has not been reported in the literature in individuals affected with GNAO1-related conditions. Invitae Evidence Modeling of protein sequence and biophysical properties (such as structural, functional, and spatial information, amino acid conservation, physicochemical variation, residue mobility, and thermodynamic stability) has been performed for this missense variant. However, the output from this modeling did not meet the statistical confidence thresholds required to predict the impact of this variant on GNAO1 protein function. In summary, the available evidence is currently insufficient to determine the role of this variant in disease. Therefore, it has been classified as a Variant of Uncertain Significance.

NM_020988.3(GNAO1):c.262A>T (p.Met88Leu)

Gene: GNAO1 (G protein subunit alpha o1; plus strand). Cytogenetic location: 16q13.
Variant type: single nucleotide variant.
Coding change: c.262A>T on transcript NM_020988.3 (MANE Select); coding-DNA position 262, A replaced by T.
Protein change: p.Met88Leu; replaces methionine 88 with leucine.
Molecular consequence: missense variant.
Genome position (GRCh38, 1-based): chr16:56,276,031, A>T. VCF-style: chr16-56276031-A-T. GRCh37 (hg19) VCF-style: chr16-56309943-A-T.
Other names: c.262A>T, p.Met88Leu (NM_138736.3); short protein forms M88L.
Identifiers: ClinVar variation 2764744 (VCV002764744.3), dbSNP rs1555504233, ClinGen allele CA396128176.